The following is an entry in ClinVar:

NM_001085049.3(MRAS):c.514G>A (p.Val172Ile)

Gene: MRAS (muscle RAS oncogene homolog; plus strand). Cytogenetic location: 3q22.3.
Variant type: single nucleotide variant.
Coding change: c.514G>A on transcript NM_001085049.3 (MANE Select); coding-DNA position 514, G replaced by A.
Protein change: p.Val172Ile; replaces valine 172 with isoleucine.
Molecular consequence: missense variant.
Genome position (GRCh38, 1-based): chr3:138,400,600, G>A. VCF-style: chr3-138400600-G-A. GRCh37 (hg19) VCF-style: chr3-138119442-G-A.
Other names: c.514G>A, p.Val172Ile (NM_001252090.2, NM_012219.4); c.286G>A, p.Val96Ile (NM_001252091.1, NM_001252092.2, NM_001252093.2); c.514G>A (NM_012219.3); short protein forms V96I, V172I.
Identifiers: ClinVar variation 1934954 (VCV001934954.6), dbSNP rs758935565, ClinGen allele CA2637041.

ClinVar aggregate classification (germline): Uncertain significance. Review status: criteria provided, multiple submitters, no conflicts (2 of 4 stars). 2 submissions from 2 submitters: Uncertain significance (2). Last evaluated 2025-05-26.

Conditions:
Inborn genetic diseases. Identifiers: MedGen C0950123, MeSH D030342.

Allele frequency attached by ClinVar (database versions not stated): ExAC 0.00001; gnomAD exomes 0.00001; gnomAD 0.00002.
gnomAD v4.1: 13 of 1,611,936 alleles (0.00081%); highest among the groups gnomAD compares: South Asian, 0.0011%; no homozygotes.

Submissions (2):

Ambry Genetics
Classification: Uncertain significance for Inborn genetic diseases. Last evaluated: 2025-05-26. Review status: criteria provided, single submitter. Criteria: Ambry Variant Classification Scheme 2023. Collection method: clinical testing. Allele origin: germline.
Comment: The p.V172I variant (also known as c.514G>A), located in coding exon 4 of the MRAS gene, results from a G to A substitution at nucleotide position 514. The valine at codon 172 is replaced by isoleucine, an amino acid with highly similar properties. This amino acid position is conserved. In addition, the in silico prediction for this alteration is inconclusive. Based on the available evidence, the clinical significance of this variant remains unclear.

Labcorp Genetics (formerly Invitae), Labcorp
Classification: Uncertain significance. Last evaluated: 2022-09-20. Review status: criteria provided, single submitter. Criteria: Invitae Variant Classification Sherloc (09022015). Collection method: clinical testing. Allele origin: germline.
Comment: In summary, the available evidence is currently insufficient to determine the role of this variant in disease. Therefore, it has been classified as a Variant of Uncertain Significance. Algorithms developed to predict the effect of missense changes on protein structure and function are either unavailable or do not agree on the potential impact of this missense change (SIFT: "Deleterious"; PolyPhen-2: "Benign"; Align-GVGD: "Class C25"). This variant has not been reported in the literature in individuals affected with MRAS-related conditions. This variant is present in population databases (rs758935565, gnomAD 0.003%). This sequence change replaces valine, which is neutral and non-polar, with isoleucine, which is neutral and non-polar, at codon 172 of the MRAS protein (p.Val172Ile).